The following is an entry in ClinVar:

NM_178138.6(LHX3):c.448C>T (p.Gln150Ter)

Gene: LHX3 (LIM homeobox 3; minus strand). Cytogenetic location: 9q34.3.
Variant type: single nucleotide variant.
Coding change: c.448C>T on transcript NM_178138.6 (MANE Select); coding-DNA position 448, C replaced by T.
Protein change: p.Gln150Ter; replaces glutamine 150 with a stop codon.
Molecular consequence: nonsense.
Genome position (GRCh38, 1-based): chr9:136,199,684, G>A on the plus strand (C>T on the coding strand, the complement: LHX3 is on the minus strand). VCF-style: chr9-136199684-G-A. GRCh37 (hg19) VCF-style: chr9-139091530-G-A.
Other names: c.415C>T, p.Gln139Ter (NM_001363746.1); c.463C>T, p.Gln155Ter (NM_014564.5); short protein forms Q139*, Q150*, Q155*.
Identifiers: ClinVar variation 4815723 (VCV004815723.1).

ClinVar aggregate classification (germline): Likely pathogenic (1 of 4 stars; one submission).

Conditions:
Non-acquired combined pituitary hormone deficiency with spine abnormalities (CPHD3). Also called: Winkelman Bethge Pfeiffer syndrome; WBP syndrome; Combined pituitary hormone deficiency type 3. Identifiers: Orphanet 231720, MedGen C3489787, MONDO:0009091, OMIM 221750.

Submission:

Natera, Inc.
Classification: Likely pathogenic for Combined pituitary hormone deficiency type 3. Last evaluated: 2024-06-11. Review status: criteria provided, single submitter. Criteria: Natera Variant Classification Schema (03/2026). Collection method: clinical testing. Allele origin: germline.
Comment: The c.463C>T variant in LHX3 is a nonsense variant predicted to introduce a stop codon at amino acid 155. This variant is expected to result in nonsense mediated decay, truncation, or a dysfunctional protein product. This variant is rare in the general population with a frequency below the threshold expected for the associated phenotype(s). Given the available evidence, this variant is classified as Likely Pathogenic.